The following is an entry in ClinVar:

NM_001046.3(SLC12A2):c.2612T>C (p.Met871Thr)

Gene: SLC12A2 (solute carrier family 12 member 2; plus strand). Cytogenetic location: 5q23.3.
Variant type: single nucleotide variant.
Coding change: c.2612T>C on transcript NM_001046.3 (MANE Select); coding-DNA position 2612, T replaced by C.
Protein change: p.Met871Thr; replaces methionine 871 with threonine.
Molecular consequence: missense variant. On other transcripts: non-coding transcript variant (1).
Genome position (GRCh38, 1-based): chr5:128,161,796, T>C. VCF-style: chr5-128161796-T-C. GRCh37 (hg19) VCF-style: chr5-127497488-T-C.
Other names: c.2612T>C, p.Met871Thr (NM_001256461.2); short protein forms M871T.
Identifiers: ClinVar variation 4530654 (VCV004530654.1), dbSNP rs766529905.
Genomic context (GRCh38, chr5:128,161,796, plus strand): 5'-TGAAGGCATTTTATGCTCCAGTACATGCAGATGACTTGAGAGAAGGTGCACAGTATTTGA[T>C]GCAGGTAACTTTGTTAATGCTTTTCAAATGCCTACATTTTAGATTTGTATAAGCTTTTTA-3'
Protein context (NP_001037.1, residues 861-881): DDLREGAQYL[Met871Thr]QAAGLGRMKP

ClinVar aggregate classification (germline): Uncertain significance (0 of 4 stars; one submission).

Conditions:
Delpire-McNeill syndrome. Also called: SLC12A2-related autosomal dominant infantile-developmental delay-intellectual disability-sensorineural deafness syndrome. Identifiers: Orphanet 633024, MedGen C5436771, MONDO:0033667, OMIM 619083.

Submission:

Diagnostics Centre, Carl Von Ossietzky University Oldenburg
Classification: Uncertain significance for Delpire-McNeill syndrome. Last evaluated: 2025-06-16. Review status: no assertion criteria provided. Collection method: clinical testing. Allele origin: germline. Affected: yes. Observed: 1 variant allele.
Comment: The variant SLC12A2:c.2612T>C p.(Met871Thr) which is located in the exon 2 of the SLC12A2, results from a thymine to cytosine substitution at nucleotide position c.2612. The metionine residue at protein position 871 is replaced by a threonine. Missense variants in this gene or the affected region are a known disease mechanism and are rare in the general population. The affected protein region has significant levels of missense constrain. The affected position is located in the functionally essential SLC12 domain of the protein. In silico tools predict a severe deleterious effect in the protein structure/function (REVEL = 0.87). The variant has not yet been described in ClinVar or any other scientific publication known to us. This variant is classified as very rare in the overall population (MAF 2.8 * e-6 in gnomAD). In summary, this variant is classified as a variant of unclear significance.